The following is an entry in ClinVar:

ClinVar aggregate classification (germline): Uncertain significance. Review status: criteria provided, multiple submitters, no conflicts (2 of 4 stars). 2 submissions from 2 submitters: Uncertain significance (2). Last evaluated 2022-05-04.

Conditions:
Congenital myotonia, autosomal dominant form (THD). Also called: THOMSEN DISEASE; Myotonia congenita autosomal dominant. Identifiers: Orphanet 614, MedGen C2936781, MONDO:0008055, OMIM 160800.
Congenital myotonia, autosomal recessive form. Also called: BECKER DISEASE; Becker Generalized Myotonia; myotonia congenita, autosomal recessive. Identifiers: Orphanet 614, MedGen C0751360, MONDO:0009715, OMIM 255700.

Allele frequency attached by ClinVar (database versions not stated): TOPMed below 0.00001; gnomAD exomes below 0.00001.
gnomAD v4.1: 1 of 1,612,804 alleles (0.000062%); highest among the groups gnomAD compares: Non-Finnish European, 0.000085%; no homozygotes.

Submissions (2):

Mendelics
Classification: Uncertain significance. Last evaluated: 2022-05-04. Review status: criteria provided, single submitter. Criteria: Mendelics Assertion Criteria 2019. Collection method: clinical testing. Allele origin: germline.

Labcorp Genetics (formerly Invitae), Labcorp
Classification: Uncertain significance for Congenital myotonia, autosomal recessive form; Congenital myotonia, autosomal dominant form. Last evaluated: 2022-03-07. Review status: criteria provided, single submitter. Criteria: Invitae Variant Classification Sherloc (09022015). Collection method: clinical testing. Allele origin: germline.
Comment: In summary, the available evidence is currently insufficient to determine the role of this variant in disease. Therefore, it has been classified as a Variant of Uncertain Significance. Variants that disrupt the consensus splice site are a relatively common cause of aberrant splicing (PMID: 17576681, 9536098). Algorithms developed to predict the effect of sequence changes on RNA splicing suggest that this variant is not likely to affect RNA splicing. This variant has not been reported in the literature in individuals affected with CLCN1-related conditions. This variant is not present in population databases (gnomAD no frequency). This sequence change falls in intron 21 of the CLCN1 gene. It does not directly change the encoded amino acid sequence of the CLCN1 protein. It affects a nucleotide within the consensus splice site.

Literature cited by the submitters: PubMed 17576681 (cited by Labcorp Genetics (formerly Invitae), Labcorp); PubMed 9536098 (cited by Labcorp Genetics (formerly Invitae), Labcorp).

NM_000083.3(CLCN1):c.2508+5G>A

Gene: CLCN1 (chloride voltage-gated channel 1; plus strand). Cytogenetic location: 7q34.
Variant type: single nucleotide variant.
Coding change: c.2508+5G>A on transcript NM_000083.3 (MANE Select); 5 bases into the intron after coding-DNA position 2508, G replaced by A.
Molecular consequence: intron variant.
Genome position (GRCh38, 1-based): chr7:143,350,481, G>A. VCF-style: chr7-143350481-G-A. GRCh37 (hg19) VCF-style: chr7-143047574-G-A.
Identifiers: ClinVar variation 1686571 (VCV001686571.6), dbSNP rs1401007697, ClinGen allele CA834501030.